The following is an entry in ClinVar:

ClinVar aggregate classification (germline): Uncertain significance. Review status: criteria provided, multiple submitters, no conflicts (2 of 4 stars). 3 submissions from 3 submitters: Uncertain significance (3). Last evaluated 2025-01-23.

Conditions:
Inborn genetic diseases. Identifiers: MedGen C0950123, MeSH D030342.
Dyskeratosis congenita, autosomal dominant 6 (DKCA6). Identifiers: Orphanet 3322, MedGen C4225284, MONDO:0014690, OMIM 616553.

Allele frequency attached by ClinVar (database versions not stated): gnomAD exomes 0.00002; ExAC 0.00005; TOPMed 0.00027; ESP Exome Variant Server 0.00031.
gnomAD v4.1: 54 of 1,614,038 alleles (0.0033%); highest among the groups gnomAD compares: African/African-American, 0.068%; no homozygotes.

Submissions (3):

Labcorp Genetics (formerly Invitae), Labcorp
Classification: Uncertain significance for Dyskeratosis congenita, autosomal dominant 6. Last evaluated: 2025-01-23. Review status: criteria provided, single submitter. Criteria: Invitae Variant Classification Sherloc (09022015). Collection method: clinical testing. Allele origin: germline.
Comment: This sequence change replaces proline, which is neutral and non-polar, with histidine, which is basic and polar, at codon 490 of the ACD protein (p.Pro490His). This variant is present in population databases (rs201907421, gnomAD 0.06%). This variant has not been reported in the literature in individuals affected with ACD-related conditions. ClinVar contains an entry for this variant (Variation ID: 1369787). Invitae Evidence Modeling of protein sequence and biophysical properties (such as structural, functional, and spatial information, amino acid conservation, physicochemical variation, residue mobility, and thermodynamic stability) indicates that this missense variant is expected to disrupt ACD protein function with a positive predictive value of 80%. In summary, the available evidence is currently insufficient to determine the role of this variant in disease. Therefore, it has been classified as a Variant of Uncertain Significance.

ARUP Laboratories, Molecular Genetics and Genomics, ARUP Laboratories
Classification: Uncertain significance. Last evaluated: 2025-01-13. Review status: criteria provided, single submitter. Criteria: ARUP Molecular Germline Variant Investigation Process 2024. Collection method: clinical testing. Allele origin: germline.
Comment: The ACD c.1211C>A; p.Pro404His variant (rs201907421), to our knowledge, is not reported in the medical literature but is reported in ClinVar (Variation ID: 1369787). This variant is found predominantly in the African/African-American population with an allele frequency of 0.056% (14/24946 alleles) in the Genome Aggregation Database (v2.1.1). Computational analyses predict that this variant is neutral (REVEL: 0.121). Due to limited information, the clinical significance of this variant is uncertain at this time.

Ambry Genetics
Classification: Uncertain significance for Inborn genetic diseases. Last evaluated: 2023-07-05. Review status: criteria provided, single submitter. Criteria: Ambry Variant Classification Scheme 2023. Collection method: clinical testing. Allele origin: germline.

NM_001082486.2(ACD):c.1211C>A (p.Pro404His)

Gene: ACD (ACD shelterin complex subunit and telomerase recruitment factor; minus strand). Cytogenetic location: 16q22.1.
Variant type: single nucleotide variant.
Coding change: c.1211C>A on transcript NM_001082486.2 (MANE Select); coding-DNA position 1211, C replaced by A.
Protein change: p.Pro404His; replaces proline 404 with histidine.
Molecular consequence: missense variant.
Genome position (GRCh38, 1-based): chr16:67,657,849, G>T on the plus strand (C>A on the coding strand, the complement: ACD is on the minus strand). VCF-style: chr16-67657849-G-T. GRCh37 (hg19) VCF-style: chr16-67691752-G-T.
Other names: c.1202C>A, p.Pro401His (NM_022914.3); short protein forms P401H, P404H.
Identifiers: ClinVar variation 1369787 (VCV001369787.9), dbSNP rs201907421, ClinGen allele CA8114397.